The following is an entry in ClinVar:

NM_000535.7(PMS2):c.2573T>A (p.Val858Asp)

Gene: PMS2 (PMS1 homolog 2, mismatch repair system component; minus strand). Cytogenetic location: 7p22.1.
Variant type: single nucleotide variant.
Coding change: c.2573T>A on transcript NM_000535.7 (MANE Select); coding-DNA position 2573, T replaced by A.
Protein change: p.Val858Asp; replaces valine 858 with aspartic acid.
Molecular consequence: missense variant. On other transcripts: non-coding transcript variant (1).
Genome position (GRCh38, 1-based): chr7:5,973,415, A>T on the plus strand (T>A on the coding strand, the complement: PMS2 is on the minus strand). VCF-style: chr7-5973415-A-T. GRCh37 (hg19) VCF-style: chr7-6013046-A-T.
Other names: c.2168T>A, p.Val723Asp (NM_001322003.2, NM_001322004.2, NM_001322005.2 and 11 more transcripts); c.2417T>A, p.Val806Asp (NM_001322006.2); c.2255T>A, p.Val752Asp (NM_001322007.2, NM_001322008.2, NM_001406883.1); c.2201T>A, p.Val734Asp (NM_001322009.2, NM_001406887.1, NM_001406888.1); c.2012T>A, p.Val671Asp (NM_001322010.2, NM_001406906.1, NM_001406907.1); c.1640T>A, p.Val547Asp (NM_001322011.2, NM_001322012.2); c.2000T>A, p.Val667Asp (NM_001322013.2, NM_001406908.1, NM_001406909.1); c.2606T>A, p.Val869Asp (NM_001322014.2); and 20 more; short protein forms V687D, V723D, V750D, V755D, V792D, V802D, V806D, V866D.
Identifiers: ClinVar variation 3572136 (VCV003572136.3).

ClinVar aggregate classification (germline): Uncertain significance. Review status: criteria provided, multiple submitters, no conflicts (2 of 4 stars). 2 submissions from 2 submitters: Uncertain significance (2). Last evaluated 2025-06-07.

Conditions:
Hereditary cancer-predisposing syndrome. Also called: Hereditary Cancer Syndrome; Hereditary neoplastic syndrome; Tumor predisposition; Neoplastic Syndromes, Hereditary. Identifiers: Orphanet 140162, MedGen C0027672, MeSH D009386, MONDO:0015356.

Submissions (2):

Ambry Genetics
Classification: Uncertain significance for Hereditary cancer-predisposing syndrome. Last evaluated: 2025-06-07. Review status: criteria provided, single submitter. Criteria: Ambry Variant Classification Scheme 2023. Collection method: clinical testing. Allele origin: germline.
Comment: The p.V858D variant (also known as c.2573T>A), located in coding exon 15 of the PMS2 gene, results from a T to A substitution at nucleotide position 2573. The valine at codon 858 is replaced by aspartic acid, an amino acid with highly dissimilar properties. This amino acid position is conserved. In addition, the in silico prediction for this alteration is inconclusive. Based on the available evidence, the clinical significance of this variant remains unclear.

Quest Diagnostics Nichols Institute San Juan Capistrano
Classification: Uncertain significance. Last evaluated: 2024-12-02. Review status: criteria provided, single submitter. Criteria: Quest Diagnostics criteria. Collection method: clinical testing. Allele origin: unknown.
Comment: The PMS2 c.2573T>A (p.Val858Asp) variant has not been reported in individuals with PMS2-related conditions in the published literature. It also has not been reported in large, multi-ethnic general populations (Genome Aggregation Database). Analysis of this variant using bioinformatics tools for the prediction of the effect of amino acid changes on protein structure and function yielded predictions that this variant is benign. Based on the available information, we are unable to determine the clinical significance of this variant.